The following is an entry in ClinVar:

ClinVar aggregate classification (germline): Uncertain significance (1 of 4 stars; one submission).

gnomAD v4.1: 1 of 1,614,056 alleles (0.000062%); highest among the groups gnomAD compares: South Asian, 0.0011%; no homozygotes.

Submission:

GeneDx
Classification: Uncertain significance. Last evaluated: 2024-06-05. Review status: criteria provided, single submitter. Criteria: GeneDx Variant Classification Process June 2021. Collection method: clinical testing. Allele origin: germline. Affected: yes.
Comment: Not observed at significant frequency in large population cohorts (gnomAD); In silico analysis indicates that this missense variant does not alter protein structure/function; Has not been previously published as pathogenic or benign to our knowledge

NM_001148.6(ANK2):c.11573C>A (p.Thr3858Asn)

Gene: ANK2 (ankyrin 2; plus strand). Cytogenetic location: 4q26.
Variant type: single nucleotide variant.
Coding change: c.11573C>A on transcript NM_001148.6 (MANE Select); coding-DNA position 11573, C replaced by A.
Protein change: p.Thr3858Asn; replaces threonine 3858 with asparagine.
Molecular consequence: missense variant.
Genome position (GRCh38, 1-based): chr4:113,369,768, C>A. VCF-style: chr4-113369768-C-A. GRCh37 (hg19) VCF-style: chr4-114290924-C-A.
Other names: c.5291C>A, p.Thr1764Asn (NM_001127493.3); c.5330C>A, p.Thr1777Asn (NM_001354225.2); c.5219C>A, p.Thr1740Asn (NM_001354228.2, NM_001354258.2); c.5297C>A, p.Thr1766Asn (NM_001354230.2); c.5360C>A, p.Thr1787Asn (NM_001354231.2, NM_001354242.2); c.5354C>A, p.Thr1785Asn (NM_001354232.2); c.5315C>A, p.Thr1772Asn (NM_001354235.2, NM_001354246.2, NM_001354265.2); c.5216C>A, p.Thr1739Asn (NM_001354236.2); and 35 more; short protein forms T1612N, T1645N, T1673N, T1678N, T1686N, T1695N, T1698N, T1700N.
Identifiers: ClinVar variation 3384269 (VCV003384269.1).